The following is an entry in ClinVar:

ClinVar aggregate classification (germline): Uncertain significance (1 of 4 stars; one submission).

Conditions:
Inflammatory bowel disease 28. Also called: Inflammatory bowel disease 28, early onset, autosomal recessive. Identifiers: Orphanet 238569, MedGen C2751053, MONDO:0013153, OMIM 613148.

Submission:

Labcorp Genetics (formerly Invitae), Labcorp
Classification: Uncertain significance for Inflammatory bowel disease 28. Last evaluated: 2022-02-07. Review status: criteria provided, single submitter. Criteria: Invitae Variant Classification Sherloc (09022015). Collection method: clinical testing. Allele origin: germline.
Comment: This sequence change replaces histidine, which is basic and polar, with proline, which is neutral and non-polar, at codon 22 of the IL10RA protein (p.His22Pro). This variant is not present in population databases (gnomAD no frequency). This variant has not been reported in the literature in individuals affected with IL10RA-related conditions. Algorithms developed to predict the effect of missense changes on protein structure and function are either unavailable or do not agree on the potential impact of this missense change (SIFT: "Tolerated"; PolyPhen-2: "Possibly Damaging"; Align-GVGD: "Class C0"). In summary, the available evidence is currently insufficient to determine the role of this variant in disease. Therefore, it has been classified as a Variant of Uncertain Significance.

NM_001558.4(IL10RA):c.65A>C (p.His22Pro)

Gene: IL10RA (interleukin 10 receptor subunit alpha; plus strand). Cytogenetic location: 11q23.3.
Variant type: single nucleotide variant.
Coding change: c.65A>C on transcript NM_001558.4 (MANE Select); coding-DNA position 65, A replaced by C.
Protein change: p.His22Pro; replaces histidine 22 with proline.
Molecular consequence: missense variant. On other transcripts: non-coding transcript variant (1).
Genome position (GRCh38, 1-based): chr11:117,986,532, A>C. VCF-style: chr11-117986532-A-C. GRCh37 (hg19) VCF-style: chr11-117857247-A-C.
Other names: short protein forms H22P.
Identifiers: ClinVar variation 1367567 (VCV001367567.6), dbSNP rs1249233978, ClinGen allele CA382772038.
Genomic context (GRCh38, chr11:117,986,532, plus strand): 5'-TGCCGTGCCTCGTAGTGCTGCTGGCGGCGCTCCTCAGCCTCCGTCTTGGCTCAGACGCTC[A>C]TGGTAAGGCTCCGGGACGCGGCCCTTCCCTGCCCTGCCCTCTCCGCGCCCGCTCCATTAA-3'
Protein context (NP_001549.2, residues 12-32): LLSLRLGSDA[His22Pro]GTELPSPPSV